The following is an entry in ClinVar:

NM_014264.5(PLK4):c.246C>T (p.Ser82=)

Gene: PLK4 (polo like kinase 4; plus strand). Cytogenetic location: 4q28.1.
Variant type: single nucleotide variant.
Coding change: c.246C>T on transcript NM_014264.5 (MANE Select); coding-DNA position 246, C replaced by T.
Protein change: p.Ser82=; no amino-acid change (serine 82 retained).
Molecular consequence: synonymous variant.
Genome position (GRCh38, 1-based): chr4:127,883,462, C>T. VCF-style: chr4-127883462-C-T. GRCh37 (hg19) VCF-style: chr4-128804617-C-T.
Other names: c.150C>T, p.Ser50= (NM_001190799.2); c.123C>T, p.Ser41= (NM_001190801.2).
Identifiers: ClinVar variation 1968927 (VCV001968927.5), dbSNP rs191851206, ClinGen allele CA3076534.

ClinVar aggregate classification (germline): Uncertain significance (1 of 4 stars; one submission).

Allele frequency attached by ClinVar (database versions not stated): gnomAD 0.00001; 1000 Genomes Project 30x 0.00016; 1000 Genomes Project 0.00020.
gnomAD v4.1: 11 of 1,507,266 alleles (0.00073%); highest among the groups gnomAD compares: Admixed American, 0.019%; no homozygotes.

Submission:

Labcorp Genetics (formerly Invitae), Labcorp
Classification: Uncertain significance. Last evaluated: 2025-09-02. Review status: criteria provided, single submitter. Criteria: Invitae Variant Classification Sherloc (09022015). Collection method: clinical testing. Allele origin: germline.
Comment: This sequence change affects codon 82 of the PLK4 mRNA. It is a 'silent' change, meaning that it does not change the encoded amino acid sequence of the PLK4 protein. This variant is present in population databases (rs191851206, gnomAD 0.03%). This variant has not been reported in the literature in individuals affected with PLK4-related conditions. ClinVar contains an entry for this variant (Variation ID: 1968927). Algorithms developed to predict the effect of sequence changes on RNA splicing suggest that this variant may disrupt the consensus splice site. In summary, the available evidence is currently insufficient to determine the role of this variant in disease. Therefore, it has been classified as a Variant of Uncertain Significance.